The following is an entry in ClinVar:

ClinVar aggregate classification (germline): Uncertain significance (1 of 4 stars; one submission).

Submission:

GeneDx
Classification: Uncertain significance. Last evaluated: 2018-02-14. Review status: criteria provided, single submitter. Criteria: GeneDx Variant Classification (06012015). Collection method: clinical testing. Allele origin: germline. Affected: yes.
Comment: The G1382D variant in the GLI3 gene has not been reported previously as a pathogenic variant, nor as a benign variant, to our knowledge. The G1382D variant is not observed in large population cohorts (Lek et al., 2016; 1000 Genomes Consortium et al., 2015; Exome Variant Server). The G1382D variant is a non-conservative amino acid substitution, which is likely to impact secondary protein structure as these residues differ in polarity, charge, size and/or other properties. This substitution occurs at a position that is not conserved. In silico analysis is inconsistent in its predictions as to whether or not the variant is damaging to the protein structure/function. We interpret G1382D as a variant of uncertain significance.

NM_000168.6(GLI3):c.4145G>A (p.Gly1382Asp)

Gene: GLI3 (GLI family zinc finger 3; minus strand). Cytogenetic location: 7p14.1.
Variant type: single nucleotide variant.
Coding change: c.4145G>A on transcript NM_000168.6 (MANE Select); coding-DNA position 4145, G replaced by A.
Protein change: p.Gly1382Asp; replaces glycine 1382 with aspartic acid.
Molecular consequence: missense variant.
Genome position (GRCh38, 1-based): chr7:41,964,928, C>T on the plus strand (G>A on the coding strand, the complement: GLI3 is on the minus strand). VCF-style: chr7-41964928-C-T. GRCh37 (hg19) VCF-style: chr7-42004526-C-T.
Other names: short protein forms G1382D.
Identifiers: ClinVar variation 424142 (VCV000424142.2), dbSNP rs1064796822, ClinGen allele CA16618460.